The following is an entry in ClinVar:

NM_002834.5(PTPN11):c.1654C>A (p.Gln552Lys)

Gene: PTPN11 (protein tyrosine phosphatase non-receptor type 11; plus strand). Cytogenetic location: 12q24.13.
Variant type: single nucleotide variant.
Coding change: c.1654C>A on transcript NM_002834.5 (MANE Select); coding-DNA position 1654, C replaced by A.
Protein change: p.Gln552Lys; replaces glutamine 552 with lysine.
Molecular consequence: missense variant.
Genome position (GRCh38, 1-based): chr12:112,502,198, C>A. VCF-style: chr12-112502198-C-A. GRCh37 (hg19) VCF-style: chr12-112940002-C-A.
Other names: c.1666C>A, p.Gln556Lys (NM_001330437.2); c.1651C>A, p.Gln551Lys (NM_001374625.1); short protein forms Q552K, Q551K, Q556K.
Identifiers: ClinVar variation 4841339 (VCV004841339.1).
Genomic context (GRCh38, chr12:112,502,198, plus strand): 5'-TTTCAGAAAAGCAAGAGGAAAGGGCACGAATATACAAATATTAAGTATTCTCTAGCGGAC[C>A]AGACGAGTGGAGATCAGAGCCCTCTCCCGCCTTGTACTCCAACGCCACCCTGTGCAGAGT-3'
Protein context (NP_002825.3, residues 542-562): YTNIKYSLAD[Gln552Lys]TSGDQSPLPP

ClinVar aggregate classification (germline): Uncertain significance (1 of 4 stars; one submission).

Conditions:
Cardiovascular phenotype. Identifiers: MedGen CN230736.

Submission:

Ambry Genetics
Classification: Uncertain significance for Cardiovascular phenotype. Last evaluated: 2026-02-16. Review status: criteria provided, single submitter. Criteria: Ambry Variant Classification Scheme 2023. Collection method: clinical testing. Allele origin: germline.
Comment: The p.Q552K variant (also known as c.1654C>A), located in coding exon 14 of the PTPN11 gene, results from a C to A substitution at nucleotide position 1654. The glutamine at codon 552 is replaced by lysine, an amino acid with similar properties. This amino acid position is conserved. In addition, this alteration is predicted to be tolerated by in silico analysis. Based on the available evidence, the clinical significance of this variant remains unclear.